The following is an entry in ClinVar:

NM_004260.4(RECQL4):c.2084A>G (p.Lys695Arg)

Gene: RECQL4 (RecQ like helicase 4; minus strand). Cytogenetic location: 8q24.3.
Variant type: single nucleotide variant.
Coding change: c.2084A>G on transcript NM_004260.4 (MANE Select); coding-DNA position 2084, A replaced by G.
Protein change: p.Lys695Arg; replaces lysine 695 with arginine.
Molecular consequence: missense variant. On other transcripts: non-coding transcript variant (2).
Genome position (GRCh38, 1-based): chr8:144,513,687, T>C on the plus strand (A>G on the coding strand, the complement: RECQL4 is on the minus strand). VCF-style: chr8-144513687-T-C. GRCh37 (hg19) VCF-style: chr8-145739071-T-C.
Other names: c.1988A>G, p.Lys663Arg (NM_001413017.1, NM_001413020.1); c.2084A>G, p.Lys695Arg (NM_001413018.1, NM_001413019.1, NM_001413036.1); c.1013A>G, p.Lys338Arg (NM_001413021.1, NM_001413022.1, NM_001413023.1 and 6 more transcripts); c.1955A>G, p.Lys652Arg (NM_001413025.1); c.947A>G, p.Lys316Arg (NM_001413027.1, NM_001413030.1, NM_001413032.1 and 1 more transcripts); c.1733A>G, p.Lys578Arg (NM_001413029.1); c.815A>G, p.Lys272Arg (NM_001413031.1); c.1952A>G, p.Lys651Arg (NM_001413033.1); and 4 more; short protein forms K206R, K316R, K578R, K695R, K272R, K294R, K328R, K338R.
Identifiers: ClinVar variation 4152370 (VCV004152370.2).

ClinVar aggregate classification (germline): Uncertain significance. Review status: criteria provided, multiple submitters, no conflicts (2 of 4 stars). 2 submissions from 2 submitters: Uncertain significance (2). Last evaluated 2025-07-03.

Conditions:
Baller-Gerold syndrome (BGS). Also called: CRANIOSYNOSTOSIS WITH RADIAL DEFECTS. Identifiers: Orphanet 1225, MedGen C0265308, MONDO:0009039, OMIM 218600.
Inborn genetic diseases. Identifiers: MedGen C0950123, MeSH D030342.

Submissions (2):

Ambry Genetics
Classification: Uncertain significance for Inborn genetic diseases. Last evaluated: 2025-07-03. Review status: criteria provided, single submitter. Criteria: Ambry Variant Classification Scheme 2023. Collection method: clinical testing. Allele origin: germline.
Comment: The p.K695R variant (also known as c.2084A>G), located in coding exon 13 of the RECQL4 gene, results from an A to G substitution at nucleotide position 2084. The lysine at codon 695 is replaced by arginine, an amino acid with highly similar properties. This amino acid position is conserved. In addition, this alteration is predicted to be tolerated by in silico analysis. Based on the available evidence, the clinical significance of this variant remains unclear.

Labcorp Genetics (formerly Invitae), Labcorp
Classification: Uncertain significance for Baller-Gerold syndrome. Last evaluated: 2025-04-10. Review status: criteria provided, single submitter. Criteria: Invitae Variant Classification Sherloc (09022015). Collection method: clinical testing. Allele origin: germline.
Comment: This sequence change replaces lysine, which is basic and polar, with arginine, which is basic and polar, at codon 695 of the RECQL4 protein (p.Lys695Arg). This variant is not present in population databases (gnomAD no frequency). This variant has not been reported in the literature in individuals affected with RECQL4-related conditions. Invitae Evidence Modeling of protein sequence and biophysical properties (such as structural, functional, and spatial information, amino acid conservation, physicochemical variation, residue mobility, and thermodynamic stability) indicates that this missense variant is not expected to disrupt RECQL4 protein function with a negative predictive value of 80%. In summary, the available evidence is currently insufficient to determine the role of this variant in disease. Therefore, it has been classified as a Variant of Uncertain Significance.